The following is an entry in ClinVar:

ClinVar aggregate classification (germline): Uncertain significance (1 of 4 stars; one submission).

Conditions:
Marfan syndrome (MFS). Also called: MARFAN SYNDROME, TYPE I; Marfan syndrome type 1; Marfan's syndrome; Marfan syndrome, classic; FBN1-Related Marfan Syndrome. Identifiers: Orphanet 284963, Orphanet 558, MedGen C0024796, MONDO:0007947, OMIM 154700.
Familial thoracic aortic aneurysm and aortic dissection (TAAD). Also called: Thoracic aortic aneurysms and dissections. Identifiers: Orphanet 91387, MedGen C4707243, MONDO:0019625.

Submission:

Labcorp Genetics (formerly Invitae), Labcorp
Classification: Uncertain significance for Marfan syndrome; Familial thoracic aortic aneurysm and aortic dissection. Last evaluated: 2024-05-01. Review status: criteria provided, single submitter. Criteria: Invitae Variant Classification Sherloc (09022015). Collection method: clinical testing. Allele origin: germline.
Comment: This sequence change replaces isoleucine, which is neutral and non-polar, with phenylalanine, which is neutral and non-polar, at codon 2275 of the FBN1 protein (p.Ile2275Phe). This variant is not present in population databases (gnomAD no frequency). This missense change has been observed in individual(s) with clinical features of thoracic aortic aneurysm and dissection (Invitae). Advanced modeling of protein sequence and biophysical properties (such as structural, functional, and spatial information, amino acid conservation, physicochemical variation, residue mobility, and thermodynamic stability) performed at Invitae indicates that this missense variant is expected to disrupt FBN1 protein function with a positive predictive value of 95%. This variant disrupts the p.Ile2275 amino acid residue in FBN1. Other variant(s) that disrupt this residue have been observed in individuals with FBN1-related conditions (PMID: 33824467; Inviate), which suggests that this may be a clinically significant amino acid residue. In summary, the available evidence is currently insufficient to determine the role of this variant in disease. Therefore, it has been classified as a Variant of Uncertain Significance.

Literature cited by the submitters: PubMed 33824467.

NM_000138.5(FBN1):c.6823A>T (p.Ile2275Phe)

Gene: FBN1 (fibrillin 1; minus strand). Cytogenetic location: 15q21.1.
Variant type: single nucleotide variant.
Coding change: c.6823A>T on transcript NM_000138.5 (MANE Select); coding-DNA position 6823, A replaced by T.
Protein change: p.Ile2275Phe; replaces isoleucine 2275 with phenylalanine.
Molecular consequence: missense variant.
Genome position (GRCh38, 1-based): chr15:48,430,719, T>A on the plus strand (A>T on the coding strand, the complement: FBN1 is on the minus strand). VCF-style: chr15-48430719-T-A. GRCh37 (hg19) VCF-style: chr15-48722916-T-A.
Other names: c.6823A>T, p.Ile2275Phe (NM_001406716.1); short protein forms I2275F.
Identifiers: ClinVar variation 3753278 (VCV003753278.2).